The following is an entry in ClinVar:

NM_001370466.1(NOD2):c.2774C>G (p.Ala925Gly)

Gene: NOD2 (nucleotide binding oligomerization domain containing 2; plus strand). Cytogenetic location: 16q12.1.
Variant type: single nucleotide variant.
Coding change: c.2774C>G on transcript NM_001370466.1 (MANE Select); coding-DNA position 2774, C replaced by G.
Protein change: p.Ala925Gly; replaces alanine 925 with glycine.
Molecular consequence: missense variant. On other transcripts: non-coding transcript variant (1).
Genome position (GRCh38, 1-based): chr16:50,723,357, C>G. VCF-style: chr16-50723357-C-G. GRCh37 (hg19) VCF-style: chr16-50757268-C-G.
Other names: c.2774C>G, p.Ala925Gly (NM_001293557.2); c.2855C>G, p.Ala952Gly (NM_022162.3); short protein forms A925G, A952G.
Identifiers: ClinVar variation 2632525 (VCV002632525.1), dbSNP rs2506512196, ClinGen allele CA395875777.

ClinVar aggregate classification (germline): Uncertain significance (1 of 4 stars; one submission).

Conditions:
NOD2-related disorder. Also called: NOD2-related condition.

Allele frequency attached by ClinVar (database versions not stated): gnomAD exomes below 0.00001.
gnomAD v4.1: 2 of 1,613,886 alleles (0.00012%); highest among the groups gnomAD compares: Middle Eastern, 0.033%; no homozygotes.

Submission:

PreventionGenetics, part of Exact Sciences
Classification: Uncertain significance for NOD2-related condition. Last evaluated: 2023-06-07. Review status: criteria provided, single submitter. Criteria: ACMG Guidelines, 2015. Collection method: clinical testing. Allele origin: germline.
Comment: The NOD2 c.2855C>G variant is predicted to result in the amino acid substitution p.Ala952Gly. To our knowledge, this variant has not been reported in the literature or in a large population database, indicating this variant is rare. At this time, the clinical significance of this variant is uncertain due to the absence of conclusive functional and genetic evidence.